The following is an entry in ClinVar:

NM_000465.4(BARD1):c.1811-7A>G

Gene: BARD1 (BRCA1 associated RING domain 1; minus strand). Cytogenetic location: 2q35.
Variant type: single nucleotide variant.
Coding change: c.1811-7A>G on transcript NM_000465.4 (MANE Select); 7 bases into the intron before coding-DNA position 1811, A replaced by G.
Molecular consequence: intron variant.
Genome position (GRCh38, 1-based): chr2:214,745,166, T>C on the plus strand (A>G on the coding strand, the complement: BARD1 is on the minus strand). VCF-style: chr2-214745166-T-C. GRCh37 (hg19) VCF-style: chr2-215609890-T-C.
Other names: c.401-7A>G (NM_001282548.2); c.1754-7A>G (NM_001282543.2); c.458-7A>G (NM_001282545.2); c.365-14658A>G (NM_001282549.2); c.1811-7A>G (LRG_297t1).
Identifiers: ClinVar variation 220350 (VCV000220350.16), dbSNP rs864622487, ClinGen allele CA348504.

ClinVar aggregate classification (germline): Likely benign. Review status: criteria provided, multiple submitters, no conflicts (2 of 4 stars). 4 submissions from 4 submitters: Likely benign (4). Last evaluated 2025-11-17.

Conditions:
Hereditary cancer-predisposing syndrome. Also called: Hereditary neoplastic syndrome; Tumor predisposition; Hereditary Cancer Syndrome; Neoplastic Syndromes, Hereditary. Identifiers: Orphanet 140162, MedGen C0027672, MeSH D009386, MONDO:0015356.
Familial cancer of breast. Also called: hereditary breast carcinoma; Hereditary breast cancer; BREAST CANCER, FAMILIAL. Identifiers: Orphanet 227535, MedGen C0346153, MONDO:0016419, OMIM 114480. Disease mechanism: loss of function.

Allele frequency attached by ClinVar (database versions not stated): gnomAD exomes 0.00001.
gnomAD v4.1: 11 of 1,611,806 alleles (0.00068%); highest among the groups gnomAD compares: Non-Finnish European, 0.00042%; no homozygotes.

Submissions (4):

Labcorp Genetics (formerly Invitae), Labcorp
Classification: Likely benign for Familial cancer of breast. Last evaluated: 2025-11-17. Review status: criteria provided, single submitter. Criteria: Invitae Variant Classification Sherloc (09022015). Collection method: clinical testing. Allele origin: germline.

Myriad Genetics, Inc.
Classification: Likely benign for Familial cancer of breast. Last evaluated: 2024-07-26. Review status: criteria provided, single submitter. Criteria: Myriad Autosomal Dominant, Autosomal Recessive and X-Linked Classification Criteria (2023). Collection method: clinical testing. Allele origin: unknown.
Comment: This variant is considered likely benign. This variant is intronic and is not expected to impact mRNA splicing.

Color Diagnostics, LLC DBA Color Health
Classification: Likely benign for Hereditary cancer-predisposing syndrome. Last evaluated: 2018-06-12. Review status: criteria provided, single submitter. Criteria: ACMG Guidelines, 2015. Collection method: clinical testing. Allele origin: germline.

GeneDx
Classification: Likely benign. Last evaluated: 2015-10-20. Review status: criteria provided, single submitter. Criteria: GeneDx Variant Classification (06012015). Collection method: clinical testing. Allele origin: germline. Affected: yes.
Comment: This variant is considered likely benign or benign based on one or more of the following criteria: it is a conservative change, it occurs at a poorly conserved position in the protein, it is predicted to be benign by multiple in silico algorithms, and/or has population frequency not consistent with disease.